The following is an entry in ClinVar:

ClinVar aggregate classification (germline): Uncertain significance (1 of 4 stars; one submission).

Allele frequency attached by ClinVar (database versions not stated): TOPMed 0.00001.

Submission:

GeneDx
Classification: Uncertain significance. Last evaluated: 2019-10-04. Review status: criteria provided, single submitter. Criteria: GeneDx Variant Classification Process June 2021. Collection method: clinical testing. Allele origin: germline. Affected: yes.
Comment: Not observed in large population cohorts (Lek et al., 2016); In silico analysis, which includes protein predictors and evolutionary conservation, supports that this variant does not alter protein structure/function; Has not been previously published as pathogenic or benign to our knowledge

NM_022455.5(NSD1):c.2503G>A (p.Gly835Ser)

Gene: NSD1 (nuclear receptor binding SET domain protein 1; plus strand). Cytogenetic location: 5q35.3.
Variant type: single nucleotide variant.
Coding change: c.2503G>A on transcript NM_022455.5 (MANE Select); coding-DNA position 2503, G replaced by A.
Protein change: p.Gly835Ser; replaces glycine 835 with serine.
Molecular consequence: missense variant.
Genome position (GRCh38, 1-based): chr5:177,210,902, G>A. VCF-style: chr5-177210902-G-A. GRCh37 (hg19) VCF-style: chr5-176637903-G-A.
Other names: c.1630G>A, p.Gly544Ser (NM_001365684.2, NM_001409306.1, NM_001409307.1 and 3 more transcripts); c.2503G>A, p.Gly835Ser (NM_001409301.1, NM_001409302.1, NM_001409303.1); c.2083G>A, p.Gly695Ser (NM_001409304.1); c.1750G>A, p.Gly584Ser (NM_001409305.1); short protein forms G566S, G835S, G544S, G584S, G695S.
Identifiers: ClinVar variation 1309044 (VCV001309044.2), dbSNP rs1197555000, ClinGen allele CA362318292.